The following is an entry in ClinVar:

ClinVar aggregate classification (germline): Likely benign (0 of 4 stars; one submission).

Conditions:
BTD-related disorder. Also called: BTD-related condition.

gnomAD v4.1: 89 of 152,336 alleles (0.058%); highest among the groups gnomAD compares: Admixed American, 0.1%; no homozygotes.

Submission:

PreventionGenetics, part of Exact Sciences
Classification: Likely benign for BTD-related condition. Last evaluated: 2024-05-24. Review status: no assertion criteria provided. Collection method: clinical testing. Allele origin: germline.
Comment: This variant is classified as likely benign based on ACMG/AMP sequence variant interpretation guidelines (Richards et al. 2015 PMID: 25741868, with internal and published modifications).

NM_001370658.1(BTD):c.*2689C>T

Gene: BTD (biotinidase; plus strand). Cytogenetic location: 3p25.1.
Variant type: single nucleotide variant.
Coding change: c.*2689C>T on transcript NM_001370658.1 (MANE Select); 2689 bases downstream of the stop codon, C replaced by T.
Molecular consequence: 3 prime UTR variant. On other transcripts: intron variant (8).
Genome position (GRCh38, 1-based): chr3:15,648,177, C>T. VCF-style: chr3-15648177-C-T. GRCh37 (hg19) VCF-style: chr3-15689684-C-T.
Other names: c.*2689C>T (NM_001281723.4, NM_001281724.3, NM_001281725.3 and 16 more transcripts); c.1015+3246C>T (NM_001370752.1, NM_001407379.1); c.399+6120C>T (NM_001370753.1, NM_001407400.1, NM_001407380.1 and 1 more transcripts); c.400-1334C>T (NM_001407398.1, NM_001407399.1).
Identifiers: ClinVar variation 3358110 (VCV003358110.1).